The following is an entry in ClinVar:

NM_001267550.2(TTN):c.33657G>A (p.Pro11219=)

Gene: TTN (titin; minus strand). Cytogenetic location: 2q31.2.
Variant type: single nucleotide variant.
Coding change: c.33657G>A on transcript NM_001267550.2 (MANE Select); coding-DNA position 33657, G replaced by A.
Protein change: p.Pro11219=; no amino-acid change (proline 11219 retained).
Molecular consequence: synonymous variant. On other transcripts: intron variant (3).
Genome position (GRCh38, 1-based): chr2:178,679,606, C>T on the plus strand (G>A on the coding strand, the complement: TTN is on the minus strand). VCF-style: chr2-178679606-C-T. GRCh37 (hg19) VCF-style: chr2-179544333-C-T.
Other names: c.32706G>A, p.Pro10902= (NM_001256850.1); c.29925G>A, p.Pro9975= (NM_133378.4); c.13283-37289G>A (NM_003319.4); c.13859-37289G>A (NM_133437.4); c.13658-37289G>A (NM_133432.3).
Identifiers: ClinVar variation 238744 (VCV000238744.39), dbSNP rs754038093, ClinGen allele CA1998285.

ClinVar aggregate classification (germline): Likely benign. Review status: criteria provided, multiple submitters, no conflicts (2 of 4 stars). 5 submissions from 5 submitters: Likely benign (3). 2 of the submissions do not count toward it. Last evaluated 2025-12-20.

Conditions:
Dilated cardiomyopathy 1G (CMD1G). Identifiers: Orphanet 154, MedGen C1858763, MONDO:0011400, OMIM 604145.
Autosomal recessive limb-girdle muscular dystrophy type 2J (LGMDR10). Also called: Limb-girdle muscular dystrophy, type 2J; MUSCULAR DYSTROPHY, LIMB-GIRDLE, AUTOSOMAL RECESSIVE 10. Identifiers: Orphanet 140922, MedGen C1837342, MONDO:0012127, OMIM 608807.

Allele frequency attached by ClinVar (database versions not stated): ExAC 0.00001; gnomAD 0.00002; gnomAD exomes 0.00002 and 0.00003.
gnomAD v4.1: 33 of 1,610,142 alleles (0.002%); highest among the groups gnomAD compares: South Asian, 0.0044%; no homozygotes.

Submissions (5):

Labcorp Genetics (formerly Invitae), Labcorp
Classification: Likely benign for Dilated cardiomyopathy 1G; Autosomal recessive limb-girdle muscular dystrophy type 2J. Last evaluated: 2025-12-20. Review status: criteria provided, single submitter. Criteria: Invitae Variant Classification Sherloc (09022015). Collection method: clinical testing. Allele origin: germline.

CeGaT Center for Human Genetics Tuebingen
Classification: Likely benign. Last evaluated: 2023-12-01. Review status: criteria provided, single submitter. Criteria: CeGaT Center For Human Genetics Tuebingen Variant Classification Criteria Version 2. Collection method: clinical testing. Allele origin: germline. Affected: yes. Observed: 1 variant allele.
Comment: TTN: BP4, BP7

Women's Health and Genetics/Laboratory Corporation of America, LabCorp
Classification: Likely benign. Last evaluated: 2022-02-26. Review status: criteria provided, single submitter. Criteria: LabCorp Variant Classification Summary - May 2015. Collection method: clinical testing. Allele origin: germline.

Clinical Genetics, Academic Medical Center
Classification: Benign. Review status: no assertion criteria provided. Collection method: clinical testing. Allele origin: germline. Affected: yes. Study: VKGL Data-share Consensus. Not counted in ClinVar's aggregate classification.

Joint Genome Diagnostic Labs from Nijmegen and Maastricht, Radboudumc and MUMC+
Classification: Likely benign. Review status: no assertion criteria provided. Collection method: clinical testing. Allele origin: germline. Affected: yes. Study: VKGL Data-share Consensus. Not counted in ClinVar's aggregate classification.